The following is an entry in ClinVar:

NM_000083.3(CLCN1):c.401G>A (p.Ser134Asn)

Gene: CLCN1 (chloride voltage-gated channel 1; plus strand). Cytogenetic location: 7q34.
Variant type: single nucleotide variant.
Coding change: c.401G>A on transcript NM_000083.3 (MANE Select); coding-DNA position 401, G replaced by A.
Protein change: p.Ser134Asn; replaces serine 134 with asparagine.
Molecular consequence: missense variant. On other transcripts: non-coding transcript variant (1).
Genome position (GRCh38, 1-based): chr7:143,320,763, G>A. VCF-style: chr7-143320763-G-A. GRCh37 (hg19) VCF-style: chr7-143017856-G-A.
Other names: short protein forms S134N.
Identifiers: ClinVar variation 3359578 (VCV003359578.1).

ClinVar aggregate classification (germline): Uncertain significance (1 of 4 stars; one submission).

Submission:

GeneDx
Classification: Uncertain significance. Last evaluated: 2023-06-10. Review status: criteria provided, single submitter. Criteria: GeneDx Variant Classification Process June 2021. Collection method: clinical testing. Allele origin: germline. Affected: yes.
Comment: Not observed at significant frequency in large population cohorts (gnomAD); In silico analysis supports that this missense variant does not alter protein structure/function; Has not been previously published as pathogenic or benign to our knowledge